The following is an entry in ClinVar:

NM_031407.7(HUWE1):c.1779+5G>A

Gene: HUWE1 (HECT, UBA and WWE domain containing E3 ubiquitin protein ligase 1; minus strand). Cytogenetic location: Xp11.22.
Variant type: single nucleotide variant.
Coding change: c.1779+5G>A on transcript NM_031407.7 (MANE Select); 5 bases into the intron after coding-DNA position 1779, G replaced by A.
Molecular consequence: intron variant.
Genome position (GRCh38, 1-based): chrX:53,617,335, C>T on the plus strand (G>A on the coding strand, the complement: HUWE1 is on the minus strand). VCF-style: chrX-53617335-C-T. GRCh37 (hg19) VCF-style: chrX-53644296-C-T.
Other names: c.1779+5G>A (NM_031407.6).
Identifiers: ClinVar variation 1676235 (VCV001676235.4), dbSNP rs2148854427, ClinGen allele CA923726266.

ClinVar aggregate classification (germline): Uncertain significance. Review status: criteria provided, multiple submitters, no conflicts (2 of 4 stars). 2 submissions from 2 submitters: Uncertain significance (2). Last evaluated 2022-02-02.

Conditions:
Intellectual developmental disorder, X-linked, syndromic, Turner type. Also called: X-linked intellectual disability, Turner type; Intellectual disability, X-linked syndromic, Turner type. Identifiers: Orphanet 3056, Orphanet 85328, MedGen C2678046, MONDO:0010407, OMIM 309590.

Submissions (2):

Victorian Clinical Genetics Services, Murdoch Childrens Research Institute
Classification: Uncertain significance for Intellectual developmental disorder, X-linked, syndromic, Turner type. Last evaluated: 2022-02-02. Review status: criteria provided, single submitter. Criteria: ACMG Guidelines, 2015. Collection method: clinical testing. Allele origin: germline. Inheritance: X-linked inheritance.
Comment: Based on the classification scheme VCGS_Germline_v1.3.4, this variant is classified as VUS-3A. Following criteria are met: 0103 - Loss of function and gain of function are known mechanisms of disease in this gene and are associated with Turner type X-linked syndromic intellectual disability (MIM#309590) (PMID: 27130160). (I) 0110 - This gene is associated with X-linked disease. (I) 0212 - Non-canonical splice site variant without proven consequence on splicing (no functional evidence available). (SP) 0251 - This variant is heterozygous. (I) 0301 - Variant is absent from gnomAD (both v2 and v3). (SP) 0505 - Abnormal splicing is predicted by in silico tools and affected nucleotide is highly conserved. (SP) 0705 - No comparable non-canonical splice site variants have previous evidence for pathogenicity. (I) 0807 - This variant has no previous evidence of pathogenicity. (I) 0905 - No published segregation evidence has been identified for this variant. (I) 1007 - No published functional evidence has been identified for this variant. (SP) Legend: (SP) - Supporting pathogenic, (I) - Information, (SB) - Supporting benign

Molecular Genetics, Royal Melbourne Hospital
Classification: Uncertain significance for Intellectual developmental disorder, X-linked, syndromic, Turner type. Last evaluated: 2020-06-26. Review status: criteria provided, single submitter. Criteria: ACMG Guidelines, 2015. Collection method: clinical testing. Allele origin: germline. Affected: yes.
Comment: This sequence change falls in the splice region of the donor site of intron 20 of HUWE1. The variant is absent in a large population cohort (PM2; gnomAD v2.1 and v3), and has not been reported in the relevant medical literature or databases. The nucleotide is invariant across species (100 vertebrates, UCSC), and multiple lines of computational evidence predict an impact on splicing (PP3; MaxEntScan, NNSplice, dbscSNV). Loss of the exon 20 native donor site is predicted, leading to exon 20 skipping and causing a frameshift, but requires RNA studies to confirm this effect. Based on the classification scheme RMH ACMG Guidelines v1.2.1, this variant is classified as a VARIANT OF UNCERTAIN SIGNIFICANCE. Following criteria are met: PM2, PP3.

Literature cited by the submitters: PubMed 27130160 (cited by Victorian Clinical Genetics Services, Murdoch Childrens Research Institute).